The following is an entry in ClinVar:

NM_003334.4(UBA1):c.2878G>T (p.Val960Leu)

Gene: UBA1 (ubiquitin like modifier activating enzyme 1; plus strand). Cytogenetic location: Xp11.3.
Variant type: single nucleotide variant.
Coding change: c.2878G>T on transcript NM_003334.4 (MANE Select); coding-DNA position 2878, G replaced by T.
Protein change: p.Val960Leu; replaces valine 960 with leucine.
Molecular consequence: missense variant.
Genome position (GRCh38, 1-based): chrX:47,214,366, G>T. VCF-style: chrX-47214366-G-T. GRCh37 (hg19) VCF-style: chrX-47073765-G-T.
Other names: c.2878G>T, p.Val960Leu (NM_153280.3); short protein forms V960L.
Identifiers: ClinVar variation 862812 (VCV000862812.10), dbSNP rs186224021, ClinGen allele CA10396221.

ClinVar aggregate classification (germline): Uncertain significance. Review status: criteria provided, multiple submitters, no conflicts (2 of 4 stars). 2 submissions from 2 submitters: Uncertain significance (2). Last evaluated 2025-08-13.

Conditions:
Infantile-onset X-linked spinal muscular atrophy. Also called: ARTHROGRYPOSIS, X-LINKED, TYPE I; AMC, DISTAL, X-LINKED; SPINAL MUSCULAR ATROPHY, X-LINKED LETHAL INFANTILE; Spinal muscular atrophy, X-linked 2; Spinal Muscular Atrophy, X-Linked Infantile. Identifiers: Orphanet 1145, MedGen C1844934, MONDO:0010532, OMIM 301830.
Inborn genetic diseases. Identifiers: MedGen C0950123, MeSH D030342.

Allele frequency attached by ClinVar (database versions not stated): gnomAD exomes 0.00002; ExAC 0.00003; gnomAD 0.00018 and 0.00019; TOPMed 0.00038; 1000 Genomes Project 0.00079; 1000 Genomes Project 30x 0.00104.
gnomAD v4.1: 33 of 1,208,832 alleles (0.0027%); highest among the groups gnomAD compares: Admixed American, 0.063%; no homozygotes.

Submissions (2):

Labcorp Genetics (formerly Invitae), Labcorp
Classification: Uncertain significance for Infantile-onset X-linked spinal muscular atrophy. Last evaluated: 2025-08-13. Review status: criteria provided, single submitter. Criteria: Invitae Variant Classification Sherloc (09022015). Collection method: clinical testing. Allele origin: germline.
Comment: This sequence change replaces valine, which is neutral and non-polar, with leucine, which is neutral and non-polar, at codon 960 of the UBA1 protein (p.Val960Leu). This variant is present in population databases (rs186224021, gnomAD 0.008%), including at least one homozygous and/or hemizygous individual. This variant has not been reported in the literature in individuals affected with UBA1-related conditions. ClinVar contains an entry for this variant (Variation ID: 862812). An algorithm developed to predict the effect of missense changes on protein structure and function (PolyPhen-2) suggests that this variant is likely to be tolerated. In summary, the available evidence is currently insufficient to determine the role of this variant in disease. Therefore, it has been classified as a Variant of Uncertain Significance.

Ambry Genetics
Classification: Uncertain significance for Inborn genetic diseases. Last evaluated: 2020-06-18. Review status: criteria provided, single submitter. Criteria: Ambry Variant Classification Scheme 2023. Collection method: clinical testing. Allele origin: germline.
Comment: The p.V960L variant (also known as c.2878G>T), located in coding exon 23 of the UBA1 gene, results from a G to T substitution at nucleotide position 2878. The valine at codon 960 is replaced by leucine, an amino acid with highly similar properties. Based on data from gnomAD, the T allele has an overall frequency of 0.0016% (3/183,522) total alleles studied, with 1 hemizygote observed. This amino acid position is highly conserved in available vertebrate species. In addition, this alteration is predicted to be tolerated by in silico analysis. Since supporting evidence is limited at this time, the clinical significance of this alteration remains unclear.